The following is an entry in ClinVar:

NM_000448.3(RAG1):c.1835A>G (p.His612Arg)

Gene: RAG1 (recombination activating 1; plus strand). Cytogenetic location: 11p12.
Variant type: single nucleotide variant.
Coding change: c.1835A>G on transcript NM_000448.3 (MANE Select); coding-DNA position 1835, A replaced by G.
Protein change: p.His612Arg; replaces histidine 612 with arginine.
Molecular consequence: missense variant.
Genome position (GRCh38, 1-based): chr11:36,575,139, A>G. VCF-style: chr11-36575139-A-G. GRCh37 (hg19) VCF-style: chr11-36596689-A-G.
Other names: c.1835A>G, p.His612Arg (NM_001377277.1, NM_001377278.1, NM_001377279.1 and 1 more transcripts); short protein forms H612R.
Identifiers: ClinVar variation 840741 (VCV000840741.8), dbSNP rs1850821995, ClinGen allele CA380153406.

ClinVar aggregate classification (germline): Uncertain significance (1 of 4 stars; one submission).

Conditions:
Combined immunodeficiency with skin granulomas. Identifiers: Orphanet 157949, MedGen C2673536, MONDO:0009306, OMIM 233650.
Severe combined immunodeficiency, autosomal recessive, T cell-negative, B cell-negative, NK cell-positive. Also called: SCID, T CELL-NEGATIVE, B CELL-NEGATIVE, NK CELL-POSITIVE; SCID, AR, T-cell negative, B-cell negative, NK cell-positive; Severe combined immunodeficiency due to complete RAG1/2 deficiency. Identifiers: Orphanet 331206, MedGen C1832322, MONDO:0011086, OMIM 601457.

Allele frequency attached by ClinVar (database versions not stated): gnomAD exomes 0.00001.
gnomAD v4.1: 10 of 1,614,180 alleles (0.00062%); highest among the groups gnomAD compares: Non-Finnish European, 0.00076%; no homozygotes.

Submission:

Labcorp Genetics (formerly Invitae), Labcorp
Classification: Uncertain significance for Combined immunodeficiency with skin granulomas; Severe combined immunodeficiency, autosomal recessive, T cell-negative, B cell-negative, NK cell-positive. Last evaluated: 2024-12-03. Review status: criteria provided, single submitter. Criteria: Invitae Variant Classification Sherloc (09022015). Collection method: clinical testing. Allele origin: germline.
Comment: This sequence change replaces histidine, which is basic and polar, with arginine, which is basic and polar, at codon 612 of the RAG1 protein (p.His612Arg). This variant is not present in population databases (gnomAD no frequency). This missense change has been observed in individual(s) with combined immunodeficiency (CID) or atypical severe combined immune deficiency (SCID) and/or partial RAG deficiency (PMID: 24331380, 25516070, 28769923, 28864286, 32655540, 35902638). ClinVar contains an entry for this variant (Variation ID: 840741). Invitae Evidence Modeling of protein sequence and biophysical properties (such as structural, functional, and spatial information, amino acid conservation, physicochemical variation, residue mobility, and thermodynamic stability) has been performed for this missense variant. However, the output from this modeling did not meet the statistical confidence thresholds required to predict the impact of this variant on RAG1 protein function. Experimental studies are conflicting or provide insufficient evidence to determine the effect of this variant on RAG1 function (PMID: 24290284, 36279417). In summary, the available evidence is currently insufficient to determine the role of this variant in disease. Therefore, it has been classified as a Variant of Uncertain Significance.

Literature cited by the submitters: PubMed 24331380; PubMed 25516070; PubMed 28769923; PubMed 28864286; PubMed 32655540; PubMed 35902638; PubMed 24290284; PubMed 36279417.